The following is an entry in ClinVar:

NM_004415.4(DSP):c.928dup (p.Glu310fs)

Gene: DSP (desmoplakin; plus strand). Cytogenetic location: 6p24.3.
Variant type: Duplication.
Coding change: c.928dup on transcript NM_004415.4 (MANE Select); coding-DNA position 928, one base duplicated (G; older notation c.928dupG).
Protein change: p.Glu310fs; shifts the reading frame from glutamic acid 310.
Molecular consequence: frameshift variant.
Genome position (GRCh38, 1-based): chr6:7,565,509, G duplicated; the last of 2 consecutive G bases (chr6:7,565,508-7,565,509); duplicating either gives the same sequence. VCF-style (leftmost placement, unchanged base first): chr6-7565507-A-AG. GRCh37 (hg19) VCF-style: chr6-7565740-A-AG.
Other names: c.928dup, p.Glu310fs (NM_001008844.3, NM_001319034.2); c.928dup (NM_004415.2, LRG_423t1); short protein forms E310fs.
Identifiers: ClinVar variation 199916 (VCV000199916.18), dbSNP rs794728137, ClinGen allele CA303940.

ClinVar aggregate classification (germline): Pathogenic/Likely pathogenic. Review status: criteria provided, multiple submitters, no conflicts (2 of 4 stars). 7 submissions from 7 submitters: Pathogenic (5); Likely pathogenic (1). 1 of the submissions does not count toward it. Last evaluated 2026-01-11.

Conditions:
Cardiovascular phenotype. Identifiers: MedGen CN230736.
DSP-related disorder. Also called: DSP-related disorders; DSP-related condition.
Keratosis palmoplantaris striata 2. Also called: Keratosis palmoplantaris striata II; KERATODERMA, PALMOPLANTAR, STRIATE FORM II; STRIATE PALMOPLANTAR KERATODERMA II. Identifiers: MedGen C1852127, MONDO:0013034, OMIM 612908.
Arrhythmogenic right ventricular dysplasia 8 (ARVD8). Also called: ARRHYTHMOGENIC RIGHT VENTRICULAR DYSPLASIA, FAMILIAL, 8; ARRHYTHMOGENIC RIGHT VENTRICULAR CARDIOMYOPATHY 8; Arrhythmogenic Right Ventricular Dysplasia/Cardiomyopathy 8. Identifiers: MedGen C1843896, MONDO:0011831, OMIM 607450.
Cardiomyopathy, dilated, with wooly hair, keratoderma, and tooth agenesis. Also called: Cardiomyopathy, dilated, with woolly hair, keratoderma, and tooth agenesis; Erythrokeratodermia-cardiomyopathy syndrome. Identifiers: Orphanet 476096, Orphanet 65282, MedGen C4014393, MONDO:0014355, OMIM 615821.
Woolly hair-skin fragility syndrome (WHSF). Identifiers: Orphanet 293165, MedGen C1843292, MONDO:0957307, OMIM 620415.
Lethal acantholytic epidermolysis bullosa (EBLA). Identifiers: Orphanet 158687, MedGen C1864826, MONDO:0012323, OMIM 609638.
Arrhythmogenic cardiomyopathy with wooly hair and keratoderma. Also called: Arrhythmogenic cardiomyopathy with woolly hair and keratoderma; Carvajal syndrome; Dilated cardiomyopathy with woolly hair and keratoderma; PALMOPLANTAR KERATODERMA WITH LEFT VENTRICULAR CARDIOMYOPATHY AND WOOLLY HAIR. Identifiers: Orphanet 65282, MedGen C1854063, MONDO:0011581, OMIM 605676.
Arrhythmogenic right ventricular cardiomyopathy (ARVD). Also called: Arrhythmogenic cardiomyopathy; Cardiomyopathy, ARVC; Arrhythmogenic right ventricular dysplasia; Arrhythmogenic Right Ventricular Cardiomyopathy (ARVC). Identifiers: Orphanet 247, MedGen C0349788, MeSH D019571, MONDO:0016587. Disease mechanism: loss of function. Inheritance: Various modes of inheritance.
Cardiomyopathy (CMYO). Also called: Cardiomyopathies. Identifiers: Orphanet 167848, MedGen C0878544, MONDO:0004994, HP:0001638. Inheritance: Various modes of inheritance.

Submissions (7):

Labcorp Genetics (formerly Invitae), Labcorp
Classification: Pathogenic for Arrhythmogenic cardiomyopathy with wooly hair and keratoderma; Arrhythmogenic right ventricular dysplasia 8. Last evaluated: 2026-01-11. Review status: criteria provided, single submitter. Criteria: Invitae Variant Classification Sherloc (09022015). Collection method: clinical testing. Allele origin: germline.
Comment: This sequence change creates a premature translational stop signal (p.Glu310Glyfs*13) in the DSP gene. It is expected to result in an absent or disrupted protein product. Loss-of-function variants in DSP are known to be pathogenic (PMID: 20716751, 24503780, 25227139, 30398466). This variant is not present in population databases (gnomAD no frequency). This premature translational stop signal has been observed in individual(s) with arrhythmogenic right ventricular cardiomyopathy (PMID: 26187847, 28527814). ClinVar contains an entry for this variant (Variation ID: 199916). For these reasons, this variant has been classified as Pathogenic.

Color Diagnostics, LLC DBA Color Health
Classification: Pathogenic for Cardiomyopathy. Last evaluated: 2025-06-30. Review status: criteria provided, single submitter. Criteria: ACMG Guidelines, 2015. Collection method: clinical testing. Allele origin: germline.
Comment: This variant inserts 1 nucleotide in exon 7 of the DSP gene, creating a frameshift and premature translation stop signal. This variant is expected to result in an absent or non-functional protein product. This variant has been reported in an individual affected with arrhythmogenic right ventricular cardiomyopathy (PMID: 28527814). It has also been reported in an individual affected with sudden cardiac arrest or death (PMID: 26187847). This variant has not been identified in the general population by the Genome Aggregation Database (gnomAD). Loss of DSP function is a known mechanism of disease. Based on the available evidence, this variant is classified as Pathogenic.

Ambry Genetics
Classification: Pathogenic for Cardiovascular phenotype. Last evaluated: 2024-07-15. Review status: criteria provided, single submitter. Criteria: Ambry Variant Classification Scheme 2023. Collection method: clinical testing. Allele origin: germline.
Comment: The c.928dupG pathogenic mutation, located in coding exon 7 of the DSP gene, results from a duplication of G at nucleotide position 928, causing a translational frameshift with a predicted alternate stop codon (p.E310Gfs*13). Alterations in DSP that result in haploinsufficiency or protein truncation have been reported in patients with arrhythmogenic right ventricular cardiomyopathy (ARVC) and dilated cardiomyopathy (DCM) (Fressart V et al. Europace. 2010;12(6):861-8; Elliott P et al. Circ Cardiovasc Genet. 2010;3(4):314-22; Quarta G et al. Circulation. 2011;123(23):2701-9; Garcia-Pavia P et al. Heart. 2011;97(21):1744-52; Rasmussen TB et al. Clin Genet. 2013;84(1):20-30; Pugh TJ et al. Genet Med. 2014;16(8):601-8). This particular alteration has been detected in an arrhythmogenic right ventricular cardiomyopathy (ARVC) cohort and a pediatric sudden cardiac arrest/death cohort (Li MH et al. Hum Genomics, 2015 Jul;9:15; Castelletti S et al. Int J Cardiol, 2017 Dec;249:268-273). This variant is considered to be rare based on population cohorts in the Genome Aggregation Database (gnomAD). In addition to the clinical data presented in the literature, this alteration is expected to result in loss of function by premature protein truncation or nonsense-mediated mRNA decay. As such, this alteration is interpreted as a disease-causing mutation.

Blueprint Genetics
Classification: Pathogenic for DSP-related disorders. Last evaluated: 2024-06-28. Review status: criteria provided, single submitter. Criteria: ACMG Guidelines, 2015. Collection method: clinical testing. Allele origin: germline. Affected: yes. Observed: 2 variant alleles.

Laboratory for Molecular Medicine, Mass General Brigham Personalized Medicine
Classification: Likely pathogenic for Arrhythmogenic right ventricular cardiomyopathy. Last evaluated: 2019-01-28. Review status: criteria provided, single submitter. Criteria: ACMG Guidelines, 2015. Collection method: clinical testing. Allele origin: germline. Inheritance: Autosomal dominant inheritance.
Comment: The p.Glu310fs variant in DSP has been reported in at least 1 individual with sudden cardiac arrest/death in childhood (Li et al., 2015). It has not been identified in large population studies. This variant is predicted to cause a frameshift, which alters the protein’s amino acid sequence beginning at position 310 and leads to a premature termination codon 13 amino acids downstream. This alteration is then predicted to lead to a truncated or absent protein. Heterozygous loss of function of the DSP gene is an established disease mechanism in individuals with ARVC. In summary, although additional studies are required to fully establish its clinical significance, the p.Glu310fs variant is likely pathogenic.

GeneDx
Classification: Pathogenic. Last evaluated: 2017-08-11. Review status: criteria provided, single submitter. Criteria: GeneDx Variant Classification (06012015). Collection method: clinical testing. Allele origin: germline. Affected: yes.
Comment: The c.928dupG pathogenic variant in the DSP gene has previously been reported in one pediatric patient with sudden cardiac arrest/death (Li et al., 2015); however no additional clinical or segregation data was provided. In addition, it has been observed to segregate with a DCM phenotype in at least one affected relative from a family tested at GeneDx. This variant causes a shift in reading frame starting at codon Glutamic Acid 310, changing it to a Glycine, and creating a premature stop codon at position 13 of the new reading frame, denoted p.Glu310GlyfsX13. This pathogenic variant is expected to result in either an abnormal, truncated protein product or loss of protein from this allele through nonsense-mediated mRNA decay. Multiple other downstream frameshift variants in the DSP gene have been reported in HGMD in association with cardiomyopathy (Stenson et al., 2014). Furthermore, the c.928dupG variant was not observed in approximately 6,500 individuals of European and African American ancestry in the NHLBI Exome Sequencing Project, indicating it is not a common benign variant in these populations.In summary, c.928dupG in the DSP gene is interpreted as a pathogenic variant.

Division of Human Genetics, Children's Hospital of Philadelphia
Classification: Likely pathogenic for Cardiomyopathy, dilated, with wooly hair, keratoderma, and tooth agenesis; Arrhythmogenic right ventricular dysplasia 8; Arrhythmogenic cardiomyopathy with wooly hair and keratoderma; Keratosis palmoplantaris striata 2; Lethal acantholytic epidermolysis bullosa. Last evaluated: 2014-11-06. Review status: no assertion criteria provided. Collection method: research. Allele origin: paternal. Affected: yes. Study: CSER-PediSeq. Not counted in ClinVar's aggregate classification.

Literature cited by the submitters: PubMed 20716751 (cited by Labcorp Genetics (formerly Invitae), Labcorp); PubMed 24503780 (cited by Labcorp Genetics (formerly Invitae), Labcorp); PubMed 25227139 (cited by Labcorp Genetics (formerly Invitae), Labcorp); PubMed 30398466 (cited by Labcorp Genetics (formerly Invitae), Labcorp); PubMed 26187847 (cited by 4 submitters); PubMed 28527814 (cited by 3 submitters).